The following is an entry in ClinVar:

NM_000137.4(FAH):c.914-2A>G

Gene: FAH (fumarylacetoacetate hydrolase; plus strand). Cytogenetic location: 15q25.1.
Variant type: single nucleotide variant.
Coding change: c.914-2A>G on transcript NM_000137.4 (MANE Select); the canonical splice acceptor site of the intron before coding-DNA position 914, A replaced by G.
Molecular consequence: splice acceptor variant.
Genome position (GRCh38, 1-based): chr15:80,177,535, A>G. VCF-style: chr15-80177535-A-G. GRCh37 (hg19) VCF-style: chr15-80469877-A-G.
Other names: c.914-2A>G (NM_001374377.1, NM_001374380.1).
Identifiers: ClinVar variation 4716952 (VCV004716952.1).

ClinVar aggregate classification (germline): Likely pathogenic (1 of 4 stars; one submission).

Conditions:
Tyrosinemia type I (TYRSN1). Also called: FAH DEFICIENCY; Tyrosinemia type 1; Fumarylacetoacetase deficiency; Deficiency of fumarylacetoacetase; HEPATORENAL TYROSINEMIA. Identifiers: Orphanet 882, MedGen C0268490, MONDO:0010161, OMIM 276700. Disease mechanism: loss of function.

Submission:

Labcorp Genetics (formerly Invitae), Labcorp
Classification: Likely pathogenic for Tyrosinemia type I. Last evaluated: 2025-07-29. Review status: criteria provided, single submitter. Criteria: Invitae Variant Classification Sherloc (09022015). Collection method: clinical testing. Allele origin: germline.
Comment: This sequence change affects an acceptor splice site in intron 10 of the FAH gene. It is expected to disrupt RNA splicing. Variants that disrupt the donor or acceptor splice site typically lead to a loss of protein function (PMID: 16199547), and loss-of-function variants in FAH are known to be pathogenic (PMID: 9101289, 9633815). This variant is not present in population databases (gnomAD no frequency). Disruption of this splice site has been observed in individual(s) with Tyrosinemia, type 1 (PMID: 12203990). Algorithms developed to predict the effect of sequence changes on RNA splicing suggest that this variant may disrupt the consensus splice site. In summary, the currently available evidence indicates that the variant is pathogenic, but additional data are needed to prove that conclusively. Therefore, this variant has been classified as Likely Pathogenic.

Literature cited by the submitters: PubMed 16199547; PubMed 9101289; PubMed 9633815; PubMed 12203990.